The following is an entry in ClinVar:

NM_000256.3(MYBPC3):c.3477T>C (p.Phe1159=)

Gene: MYBPC3 (myosin binding protein C3; minus strand). Cytogenetic location: 11p11.2.
Variant type: single nucleotide variant.
Coding change: c.3477T>C on transcript NM_000256.3 (MANE Select); coding-DNA position 3477, T replaced by C.
Protein change: p.Phe1159=; no amino-acid change (phenylalanine 1159 retained).
Molecular consequence: synonymous variant.
Genome position (GRCh38, 1-based): chr11:47,332,827, A>G on the plus strand (T>C on the coding strand, the complement: MYBPC3 is on the minus strand). VCF-style: chr11-47332827-A-G. GRCh37 (hg19) VCF-style: chr11-47354378-A-G.
Identifiers: ClinVar variation 227568 (VCV000227568.4), dbSNP rs876657513, ClinGen allele CA10576882.

ClinVar aggregate classification (germline): Likely benign (1 of 4 stars; one submission).

Allele frequency attached by ClinVar (database versions not stated): gnomAD exomes 0.00001.
gnomAD v4.1: 11 of 1,606,766 alleles (0.00068%); highest among the groups gnomAD compares: Admixed American, 0.0034%; no homozygotes.

Submission:

Laboratory for Molecular Medicine, Mass General Brigham Personalized Medicine
Classification: Likely benign. Last evaluated: 2015-01-20. Review status: criteria provided, single submitter. Criteria: LMM Criteria. Collection method: clinical testing. Allele origin: germline. Observed: 1 variant allele.
Comment: p.Phe1159Phe in exon 31 of MYBPC3: This variant is not expected to have clinical significance because it does not alter an amino acid residue and is not located within the splice consensus sequence.